The following is an entry in ClinVar:

NM_001098511.3(KIF2A):c.295G>A (p.Ala99Thr)

Gene: KIF2A (kinesin family member 2A; plus strand). Cytogenetic location: 5q12.1.
Variant type: single nucleotide variant.
Coding change: c.295G>A on transcript NM_001098511.3 (MANE Select); coding-DNA position 295, G replaced by A.
Protein change: p.Ala99Thr; replaces alanine 99 with threonine.
Molecular consequence: missense variant.
Genome position (GRCh38, 1-based): chr5:62,350,081, G>A. VCF-style: chr5-62350081-G-A. GRCh37 (hg19) VCF-style: chr5-61645908-G-A.
Other names: c.214G>A, p.Ala72Thr (NM_001243952.2); c.295G>A, p.Ala99Thr (NM_001243953.2, NM_004520.5); short protein forms A72T, A99T.
Identifiers: ClinVar variation 2097661 (VCV002097661.4), dbSNP rs2531324655, ClinGen allele CA359948690.
Genomic context (GRCh38, chr5:62,350,081, plus strand): 5'-GGGAGTAAAGATAGAAAACATAATGAACATTTTTTCCTTTCATAGAATCGACGGACTGTA[G>A]CTTCTATTAAGAATGACCCTCCTTCAAGAGATAATAGAGGTAAAGTAAAAATTTATCTCT-3'
Protein context (NP_001091981.1, residues 89-109): NKIVKNRRTV[Ala99Thr]SIKNDPPSRD

ClinVar aggregate classification (germline): Uncertain significance (1 of 4 stars; one submission).

Submission:

Labcorp Genetics (formerly Invitae), Labcorp
Classification: Uncertain significance. Last evaluated: 2025-11-10. Review status: criteria provided, single submitter. Criteria: Invitae Variant Classification Sherloc (09022015). Collection method: clinical testing. Allele origin: germline.
Comment: This sequence change replaces alanine, which is neutral and non-polar, with threonine, which is neutral and polar, at codon 99 of the KIF2A protein (p.Ala99Thr). This variant is not present in population databases (gnomAD no frequency). This variant has not been reported in the literature in individuals affected with KIF2A-related conditions. ClinVar contains an entry for this variant (Variation ID: 2097661). An algorithm developed to predict the effect of missense changes on protein structure and function (PolyPhen-2) suggests that this variant is likely to be tolerated. In summary, the available evidence is currently insufficient to determine the role of this variant in disease. Therefore, it has been classified as a Variant of Uncertain Significance.